The following is an entry in ClinVar:

ClinVar aggregate classification (germline): Uncertain significance (1 of 4 stars; one submission).

Conditions:
Hypertrophic cardiomyopathy 10. Also called: MYL2-Related Familial Hypertrophic Cardiomyopathy; CARDIOMYOPATHY, HYPERTROPHIC, MID-LEFT VENTRICULAR CHAMBER TYPE, 2. Identifiers: MedGen C1834460, MONDO:0012112, OMIM 608758.

Allele frequency attached by ClinVar (database versions not stated): ExAC 0.00001.
gnomAD v4.1: 18 of 1,614,236 alleles (0.0011%); highest among the groups gnomAD compares: South Asian, 0.019%; no homozygotes.

Submission:

Labcorp Genetics (formerly Invitae), Labcorp
Classification: Uncertain significance for Hypertrophic cardiomyopathy 10. Last evaluated: 2023-08-06. Review status: criteria provided, single submitter. Criteria: Invitae Variant Classification Sherloc (09022015). Collection method: clinical testing. Allele origin: germline.
Comment: This variant is present in population databases (rs758729568, gnomAD 0.006%). This variant has not been reported in the literature in individuals affected with MYL2-related conditions. An algorithm developed to predict the effect of missense changes on protein structure and function (PolyPhen-2) suggests that this variant is likely to be tolerated. In summary, the available evidence is currently insufficient to determine the role of this variant in disease. Therefore, it has been classified as a Variant of Uncertain Significance. This sequence change replaces valine, which is neutral and non-polar, with leucine, which is neutral and non-polar, at codon 113 of the MYL2 protein (p.Val113Leu).

NM_000432.4(MYL2):c.337G>T (p.Val113Leu)

Gene: MYL2 (myosin light chain 2; minus strand). Cytogenetic location: 12q24.11.
Variant type: single nucleotide variant.
Coding change: c.337G>T on transcript NM_000432.4 (MANE Select); coding-DNA position 337, G replaced by T.
Protein change: p.Val113Leu; replaces valine 113 with leucine.
Molecular consequence: missense variant.
Genome position (GRCh38, 1-based): chr12:110,913,262, C>A on the plus strand (G>T on the coding strand, the complement: MYL2 is on the minus strand). VCF-style: chr12-110913262-C-A. GRCh37 (hg19) VCF-style: chr12-111351066-C-A.
Other names: c.295G>T, p.Val99Leu (NM_001406745.1, NM_001406746.1); c.280G>T, p.Val94Leu (NM_001406916.1); short protein forms V113L, V99L, V94L.
Identifiers: ClinVar variation 2916847 (VCV002916847.3), dbSNP rs758729568, ClinGen allele CA041742.